The following is an entry in ClinVar:

ClinVar aggregate classification (germline): Uncertain significance (1 of 4 stars; one submission).

Conditions:
Charcot-Marie-Tooth disease type 2. Also called: Charcot-Marie-Tooth type 2. Identifiers: Orphanet 64746, MedGen C0270914, MONDO:0018993.

Submission:

Labcorp Genetics (formerly Invitae), Labcorp
Classification: Uncertain significance for Charcot-Marie-Tooth disease type 2. Last evaluated: 2024-05-01. Review status: criteria provided, single submitter. Criteria: Invitae Variant Classification Sherloc (09022015). Collection method: clinical testing. Allele origin: germline.
Comment: This sequence change replaces arginine, which is basic and polar, with serine, which is neutral and polar, at codon 220 of the LMNA protein (p.Arg220Ser). This variant is not present in population databases (gnomAD no frequency). This variant has not been reported in the literature in individuals affected with LMNA-related conditions. Advanced modeling of protein sequence and biophysical properties (such as structural, functional, and spatial information, amino acid conservation, physicochemical variation, residue mobility, and thermodynamic stability) performed at Invitae indicates that this missense variant is expected to disrupt LMNA protein function with a positive predictive value of 95%. In summary, the available evidence is currently insufficient to determine the role of this variant in disease. Therefore, it has been classified as a Variant of Uncertain Significance.

NM_170707.4(LMNA):c.658C>A (p.Arg220Ser)

Gene: LMNA (lamin A/C; plus strand). Cytogenetic location: 1q22.
Variant type: single nucleotide variant.
Coding change: c.658C>A on transcript NM_170707.4 (MANE Select); coding-DNA position 658, C replaced by A.
Protein change: p.Arg220Ser; replaces arginine 220 with serine.
Molecular consequence: missense variant. On other transcripts: 5 prime UTR variant (4).
Genome position (GRCh38, 1-based): chr1:156,134,823, C>A. VCF-style: chr1-156134823-C-A. GRCh37 (hg19) VCF-style: chr1-156104614-C-A.
Other names: c.361C>A, p.Arg121Ser (NM_001406988.1); c.322C>A, p.Arg108Ser (NM_001406989.1, NM_001406998.1, NM_001257374.3); c.100C>A, p.Arg34Ser (NM_001406990.1, NM_001406993.1, NM_001406995.1 and 4 more transcripts); c.658C>A, p.Arg220Ser (NM_001406991.1, NM_001406992.1, NM_005572.4 and 6 more transcripts); c.-7C>A (NM_001406994.1, NM_001406999.1, NM_001407000.1 and 1 more transcripts); c.415C>A, p.Arg139Ser (NM_001282624.2, NM_001406986.1, NM_001406987.1); short protein forms R220S, R121S, R139S, R108S, R34S.
Identifiers: ClinVar variation 3633628 (VCV003633628.2).
Genomic context (GRCh38, chr1:156,134,823, plus strand): 5'-ATTCTGATTTTGGTTTCTGTGTCCTTCCTCCAACCCTTCCAGGAGCTGCGTGAGACCAAG[C>A]GCCGTCATGAGACCCGACTGGTGGAGATTGACAATGGGAAGCAGCGTGAGTTTGAGAGCC-3'
Protein context (NP_733821.1, residues 210-230): IYSEELRETK[Arg220Ser]RHETRLVEID